The following is an entry in ClinVar:

ClinVar aggregate classification (germline): Uncertain significance (1 of 4 stars; one submission).

Conditions:
Pilarowski-Bjornsson syndrome. Also called: DEVELOPMENTAL DELAY AND SPEECH APRAXIA WITH OR WITHOUT SEIZURES. Identifiers: Orphanet 529965, MedGen C4540131, MONDO:0060568, OMIM 617682.

Submission:

Juno Genomics, Hangzhou Juno Genomics, Inc
Classification: Uncertain significance for Pilarowski-Bjornsson syndrome. Review status: criteria provided, single submitter. Criteria: ACMG Guidelines, 2015. Collection method: clinical testing. Allele origin: germline.
Comment: Absent from controls (or at extremely low frequency if recessive) in Genome Aggregation Database.;Missense variant in a gene that has a low rate of benign missense variation.

NM_001270.4(CHD1):c.685A>C (p.Lys229Gln)

Gene: CHD1 (chromodomain helicase DNA binding protein 1; minus strand). Cytogenetic location: 5q21.1.
Variant type: single nucleotide variant.
Coding change: c.685A>C on transcript NM_001270.4 (MANE Select); coding-DNA position 685, A replaced by C.
Protein change: p.Lys229Gln; replaces lysine 229 with glutamine.
Molecular consequence: missense variant. On other transcripts: non-coding transcript variant (2).
Genome position (GRCh38, 1-based): chr5:98,900,985, T>G on the plus strand (A>C on the coding strand, the complement: CHD1 is on the minus strand). VCF-style: chr5-98900985-T-G. GRCh37 (hg19) VCF-style: chr5-98236689-T-G.
Other names: c.685A>C, p.Lys229Gln (NM_001364113.3, NM_001376194.2); short protein forms K229Q.
Identifiers: ClinVar variation 5006940 (VCV005006940.2).